The following is an entry in ClinVar:

ClinVar aggregate classification (germline): Pathogenic. Review status: reviewed by expert panel (3 of 4 stars). 7 submissions from 7 submitters: Pathogenic (1). 6 of the submissions do not count toward it. Last evaluated 2025-01-31.

Conditions:
Cone-rod dystrophy 6 (CORD6). Also called: RETINAL CONE DYSTROPHY 2; Cone dystrophy progressive. Identifiers: Orphanet 1872, MedGen C1866293, MONDO:0011143, OMIM 601777.
Leber congenital amaurosis 1 (LCA1). Also called: Congenital absence of the rods and cones; Leber's congenital tapetoretinal degeneration; Leber's congenital tapetoretinal dysplasia; RETINAL BLINDNESS, CONGENITAL; AMAUROSIS CONGENITA OF LEBER I. Identifiers: Orphanet 65, MedGen C2931258, MONDO:0008764, OMIM 204000.
Retinal dystrophy. Also called: Inherited retinal dystrophy. Identifiers: Orphanet 71862, MedGen C0854723, MeSH D058499, MONDO:0019118, HP:0000556.
GUCY2D-related disorders.
GUCY2D-related disorder. Also called: GUCY2D-related condition.
Choroidal dystrophy, central areolar, 1. Identifiers: Orphanet 75377, MedGen C4551884, MONDO:0024539, OMIM 215500.
Night blindness, congenital stationary, type1i. Also called: NIGHT BLINDNESS, CONGENITAL STATIONARY, TYPE 1I. Identifiers: MedGen C5231408, MONDO:0032811, OMIM 618555.
GUCY2D-related recessive retinopathy. Also called: Recessive GUCY2D retinopathy. Identifiers: MedGen CN305603, MONDO:0100453.

Allele frequency attached by ClinVar (database versions not stated): gnomAD exomes 0.00001; ExAC 0.00004.
gnomAD v4.1: 8 of 1,561,036 alleles (0.00051%); highest among the groups gnomAD compares: Non-Finnish European, 0.0007%; no homozygotes.

Submissions (7):

ClinGen Leber Congenital Amaurosis/early Onset Retinal Dystrophy Variant Curation Expert Panel, ClinGen
Classification: Pathogenic for GUCY2D-related recessive retinopathy. Last evaluated: 2025-01-31. Review status: reviewed by expert panel. Criteria: ClinGen LCAeoRD ACMG Specifications GUCY2D V1.0.0. Collection method: curation. Allele origin: germline. Inheritance: Autosomal recessive inheritance.
Comment: NM_000180.4(GUCY2D):c.3224+1G>C disrupts a canonical splice site in intron 18 and is predicted to lead to skipping of an out-of-frame exon and disruption of a critical C-terminal region of GUCY2D (PVS1). This variant is present in gnomAD v.4.1.0 at a total allele frequency of 0.000005125, with 8 alleles /1561036 total alleles, which is lower than the ClinGen LCA/eoRD VCEP PM2_Supporting threshold of <0.0004 (PM2_Supporting). At least one proband harboring this variant exhibits a phenotype including diagnosis of Leber congenital amaurosis (0.5 pts), decreased central visual acuity (1 pt) with onset in the first year of life (1 pt), nystagmus (1 pt), decreased peripheral vision (1 pt), retinal vessel attenuation with granularity of peripheral fundus (0.5 pts), outer nuclear layer thickness on OCT within normal limits (1 pt), poor pupillary light response (0.5 pts), and undetectable electroretinogram responses from rods (0.5 pts). and cones (1 pt), which together are highly specific for GUCY2D-related recessive retinopathy but cannot reach the PP4_Moderate level without genetic testing details (total 8 points, PMID: 23035049, PP4). In summary, this variant meets the criteria to be classified as pathogenic for GUCY2D-related recessive retinopathy based on the ACMG/AMP criteria applied, as specified by the ClinGen LCA/eoRD VCEP: PVS1, PM2_Supporting, and PP4. (VCEP specifications version 1.0.0; date of approval 01/22/2025).

3billion
Classification: Pathogenic for GUCY2D-related disorder. Last evaluated: 2025-06-19. Review status: criteria provided, single submitter. Criteria: ACMG Guidelines, 2015. Collection method: clinical testing. Allele origin: germline. Affected: yes. Not counted in ClinVar's aggregate classification.
Comment: The variant is observed at an extremely low frequency in the gnomAD v4.1.0 dataset (total allele frequency: <0.001%). Predicted Consequence/Location: Canonical splice site: predicted to alter splicing and result in a loss or disruption of normal protein function. Multiple pathogenic loss-of-function variants are reported downstream of the variant. In silico tools predict the variant to alter splicing and produce an abnormal transcript [SpliceAI: 0.95 (spliceogenicity >=0.2, non-spliceogenicity <0.1)]. The variant has been reported multiple times as an established pathogenic variant (ClinVar ID: VCV000581095 /PMID: 23035049 /3billion dataset). Therefore, this variant is classified as Pathogenic according to the recommendation of ACMG/AMP guideline.

Labcorp Genetics (formerly Invitae), Labcorp
Classification: Pathogenic for Leber congenital amaurosis 1; Cone-rod dystrophy 6. Last evaluated: 2025-04-03. Review status: criteria provided, single submitter. Criteria: Invitae Variant Classification Sherloc (09022015). Collection method: clinical testing. Allele origin: germline. Not counted in ClinVar's aggregate classification.
Comment: This sequence change affects a donor splice site in intron 18 of the GUCY2D gene. It is expected to disrupt RNA splicing. Variants that disrupt the donor or acceptor splice site typically lead to a loss of protein function (PMID: 16199547), and loss-of-function variants in GUCY2D are known to be pathogenic (PMID: 10951519, 11328726). This variant is present in population databases (rs757823463, gnomAD 0.003%). Disruption of this splice site has been observed in individual(s) with Leber congenital amaurosis (PMID: 23035049). In at least one individual the data is consistent with being in trans (on the opposite chromosome) from a pathogenic variant. ClinVar contains an entry for this variant (Variation ID: 581095). Algorithms developed to predict the effect of sequence changes on RNA splicing suggest that this variant may disrupt the consensus splice site. For these reasons, this variant has been classified as Pathogenic.

Blueprint Genetics
Classification: Pathogenic for GUCY2D-related disorders. Last evaluated: 2024-07-05. Review status: criteria provided, single submitter. Criteria: ACMG Guidelines, 2015. Collection method: clinical testing. Allele origin: germline. Affected: yes. Observed: 5 variant alleles. Not counted in ClinVar's aggregate classification.

Fulgent Genetics
Classification: Likely pathogenic for Leber congenital amaurosis 1; Choroidal dystrophy, central areolar, 1; Cone-rod dystrophy 6; Night blindness, congenital stationary, type1i. Last evaluated: 2024-06-22. Review status: criteria provided, single submitter. Criteria: ACMG Guidelines, 2015. Collection method: clinical testing. Allele origin: germline. Not counted in ClinVar's aggregate classification.

Institute of Human Genetics, Univ. Regensburg, Univ. Regensburg
Classification: Pathogenic for Retinal dystrophy. Last evaluated: 2023-01-01. Review status: criteria provided, single submitter. Criteria: ACMG Guidelines, 2015. Collection method: clinical testing. Allele origin: germline. Affected: yes. Not counted in ClinVar's aggregate classification.

Laboratory of Medical Genetics, National & Kapodistrian University of Athens
Classification: Pathogenic for Leber congenital amaurosis 1. Last evaluated: 2021-08-10. Review status: criteria provided, single submitter. Criteria: ACMG Guidelines, 2015. Collection method: clinical testing. Allele origin: unknown. Affected: yes. Not counted in ClinVar's aggregate classification.
Comment: PVS1, PM2, PP3, PP5

Literature cited by the submitters: PubMed 23035049 (cited by 3 submitters); PubMed 16199547 (cited by Labcorp Genetics (formerly Invitae), Labcorp); PubMed 10951519 (cited by Labcorp Genetics (formerly Invitae), Labcorp); PubMed 11328726 (cited by Labcorp Genetics (formerly Invitae), Labcorp); PubMed 31589614 (cited by Institute of Human Genetics, Univ. Regensburg, Univ. Regensburg); PubMed 31964843 (cited by Institute of Human Genetics, Univ. Regensburg, Univ. Regensburg); PubMed 36460718 (cited by Institute of Human Genetics, Univ. Regensburg, Univ. Regensburg); PubMed 35836572 (cited by Institute of Human Genetics, Univ. Regensburg, Univ. Regensburg).

NM_000180.4(GUCY2D):c.3224+1G>C

Gene: GUCY2D (guanylate cyclase 2D, retinal; plus strand). Cytogenetic location: 17p13.1.
Variant type: single nucleotide variant.
Coding change: c.3224+1G>C on transcript NM_000180.4 (MANE Select); the canonical splice donor site of the intron after coding-DNA position 3224, G replaced by C.
Molecular consequence: splice donor variant.
Genome position (GRCh38, 1-based): chr17:8,016,291, G>C. VCF-style: chr17-8016291-G-C. GRCh37 (hg19) VCF-style: chr17-7919609-G-C.
Identifiers: ClinVar variation 581095 (VCV000581095.14), dbSNP rs757823463, ClinGen allele CA8366346.